The following is an entry in ClinVar:

NM_003482.4(KMT2D):c.16537C>T (p.Gln5513Ter)

Gene: KMT2D (lysine methyltransferase 2D; minus strand). Cytogenetic location: 12q13.12.
Variant type: single nucleotide variant.
Coding change: c.16537C>T on transcript NM_003482.4 (MANE Select); coding-DNA position 16537, C replaced by T.
Protein change: p.Gln5513Ter; replaces glutamine 5513 with a stop codon.
Molecular consequence: nonsense.
Genome position (GRCh38, 1-based): chr12:49,021,857, G>A on the plus strand (C>T on the coding strand, the complement: KMT2D is on the minus strand). VCF-style: chr12-49021857-G-A. GRCh37 (hg19) VCF-style: chr12-49415640-G-A.
Other names: short protein forms Q5513*.
Identifiers: ClinVar variation 3382127 (VCV003382127.2).
Genomic context (GRCh38, chr12:49,021,857, plus strand): 5'-GACAATTCCAGGCTCCACAGTGGCAGGGGATCTTGTGCTGATCGTCCTCAAAATCAAACT[G>A]ATAGTCATAGGTTAGCTGAAAAGAGAAGAGGGCAGAATCAATGCTAGTCCCCCACAGGAA-3'

ClinVar aggregate classification (germline): Uncertain significance (1 of 4 stars; one submission).

Conditions:
Choanal atresia-athelia-hypothyroidism-delayed puberty-short stature syndrome (BCAHH). Also called: BRANCHIAL ARCH ABNORMALITIES, CHOANAL ATRESIA, ATHELIA, HEARING LOSS, AND HYPOTHYROIDISM SYNDROME. Identifiers: Orphanet 589856, MedGen C5680310, MONDO:0035651, OMIM 620186.
Kabuki syndrome 1 (KABUK1). Also called: KMT2D-Related Kabuki Syndrome. Identifiers: Orphanet 2322, MedGen CN030661, MONDO:0007843, OMIM 147920.

Submission:

Juno Genomics, Hangzhou Juno Genomics, Inc
Classification: Uncertain significance for Choanal atresia-athelia-hypothyroidism-delayed puberty-short stature syndrome; Kabuki syndrome 1. Review status: criteria provided, single submitter. Criteria: ACMG Guidelines, 2015. Collection method: clinical testing. Allele origin: germline. Affected: yes.
Comment: Absent from controls (or at extremely low frequency if recessive) in Genome Aggregation Database, Exome Sequencing Project, 1000 Genomes Project, or Exome Aggregation Consortium.;Null variant in a gene where loss of function (LOF) is a known mechanism of disease.;Assumed de novo, but without confirmation of paternity and maternity.